The following is an entry in ClinVar:

ClinVar aggregate classification (germline): Likely benign. Review status: criteria provided, multiple submitters, no conflicts (2 of 4 stars). 3 submissions from 3 submitters: Likely benign (3). Last evaluated 2025-04-15.

Conditions:
COL2A1-related disorder. Also called: COL2A1-related condition; COL2A1-related disorders.

Allele frequency attached by ClinVar (database versions not stated): gnomAD 0.00001; TOPMed 0.00001; ExAC 0.00005; 1000 Genomes Project 30x 0.00016; 1000 Genomes Project 0.00020.
gnomAD v4.1: 26 of 1,550,370 alleles (0.0017%); highest among the groups gnomAD compares: South Asian, 0.027%; no homozygotes.

Submissions (3):

PreventionGenetics, part of Exact Sciences
Classification: Likely benign for COL2A1-related condition. Last evaluated: 2025-04-15. Review status: criteria provided, single submitter. Criteria: ACMG Guidelines, 2015. Collection method: clinical testing. Allele origin: germline.
Comment: This variant is classified as likely benign based on ACMG/AMP sequence variant interpretation guidelines (Richards et al. 2015 PMID: 25741868, with internal and published modifications).

Labcorp Genetics (formerly Invitae), Labcorp
Classification: Likely benign. Last evaluated: 2024-01-04. Review status: criteria provided, single submitter. Criteria: Invitae Variant Classification Sherloc (09022015). Collection method: clinical testing. Allele origin: germline.

Blueprint Genetics
Classification: Likely benign. Last evaluated: 2022-09-13. Review status: criteria provided, single submitter. Criteria: ACMG Guidelines, 2015. Collection method: clinical testing. Allele origin: germline.

NM_001844.5(COL2A1):c.51C>T (p.Val17=)

Gene: COL2A1 (collagen type II alpha 1 chain; minus strand). Cytogenetic location: 12q13.11.
Variant type: single nucleotide variant.
Coding change: c.51C>T on transcript NM_001844.5 (MANE Select); coding-DNA position 51, C replaced by T.
Protein change: p.Val17=; no amino-acid change (valine 17 retained).
Molecular consequence: synonymous variant.
Genome position (GRCh38, 1-based): chr12:48,004,271, G>A on the plus strand (C>T on the coding strand, the complement: COL2A1 is on the minus strand). VCF-style: chr12-48004271-G-A. GRCh37 (hg19) VCF-style: chr12-48398054-G-A.
Other names: c.51C>T (NM_001844.4); c.51C>T, p.Val17= (NM_033150.3).
Identifiers: ClinVar variation 1110378 (VCV001110378.12), dbSNP rs538730273, ClinGen allele CA6536120.